The following is an entry in ClinVar:

ClinVar aggregate classification (germline): Benign/Likely benign. Review status: criteria provided, multiple submitters, no conflicts (2 of 4 stars). 12 submissions from 12 submitters: Benign (6); Likely benign (4). 2 of the submissions do not count toward it. Last evaluated 2026-01-27.

Conditions:
Ritscher-Schinzel syndrome. Also called: CRANIOCEREBELLOCARDIAC DYSPLASIA. Identifiers: Orphanet 7, MedGen C0796137, MONDO:0019078.
Hereditary spastic paraplegia 8 (SPG8). Also called: SPASTIC PARAPLEGIA 8, AUTOSOMAL DOMINANT. Identifiers: Orphanet 100989, MedGen C1863704, MONDO:0011339, OMIM 603563.
Hereditary spastic paraplegia. Also called: Familial spastic paraparesis. Identifiers: Orphanet 685, MedGen C0037773, MONDO:0019064. Disease mechanism: loss of function.

Allele frequency attached by ClinVar (database versions not stated): 1000 Genomes Project 30x 0.00109; 1000 Genomes Project 0.00120; ESP Exome Variant Server 0.00277; TOPMed 0.00279; gnomAD 0.00618.
gnomAD v4.1: 5,648 of 1,614,146 alleles (0.35%); highest among the groups gnomAD compares: Non-Finnish European, 0.37%; 15 homozygotes.

Submissions (12):

Labcorp Genetics (formerly Invitae), Labcorp
Classification: Benign for Ritscher-Schinzel syndrome; Hereditary spastic paraplegia 8. Last evaluated: 2026-01-27. Review status: criteria provided, single submitter. Criteria: Invitae Variant Classification Sherloc (09022015). Collection method: clinical testing. Allele origin: germline.

CeGaT Center for Human Genetics Tuebingen
Classification: Likely benign. Last evaluated: 2024-09-01. Review status: criteria provided, single submitter. Criteria: CeGaT Center For Human Genetics Tuebingen Variant Classification Criteria Version 2. Collection method: clinical testing. Allele origin: germline. Affected: yes. Observed: 3 variant alleles.
Comment: WASHC5: BP4, BS2

Athena Diagnostics
Classification: Benign. Last evaluated: 2023-12-20. Review status: criteria provided, single submitter. Criteria: Athena Diagnostics Criteria. Collection method: clinical testing. Allele origin: unknown.

Genome Diagnostics Laboratory, The Hospital for Sick Children
Classification: Likely benign for Hereditary spastic paraplegia. Last evaluated: 2020-10-05. Review status: criteria provided, single submitter. Criteria: ACMG Guidelines, 2015. Collection method: clinical testing. Allele origin: germline. Affected: yes.

GeneDx
Classification: Benign. Last evaluated: 2018-02-22. Review status: criteria provided, single submitter. Criteria: GeneDx Variant Classification (06012015). Collection method: clinical testing. Allele origin: germline. Affected: yes.
Comment: This variant is considered likely benign or benign based on one or more of the following criteria: it is a conservative change, it occurs at a poorly conserved position in the protein, it is predicted to be benign by multiple in silico algorithms, and/or has population frequency not consistent with disease.

Illumina Laboratory Services, Illumina
Classification: Benign for Hereditary spastic paraplegia 8. Last evaluated: 2018-01-13. Review status: criteria provided, single submitter. Criteria: ICSL Variant Classification Criteria 13 December 2019. Collection method: clinical testing. Allele origin: germline.
Comment: This variant was observed in the ICSL laboratory as part of a predisposition screen in an ostensibly healthy population. It had not been previously curated by ICSL or reported in the Human Gene Mutation Database (HGMD: prior to June 1st, 2018), and was therefore a candidate for classification through an automated scoring system. Utilizing variant allele frequency, disease prevalence and penetrance estimates, and inheritance mode, an automated score was calculated to assess if this variant is too frequent to cause the disease. Based on the score and internal cut-off values, a variant classified as benign is not then subjected to further curation. The score for this variant resulted in a classification of benign for this disease.

Center for Pediatric Genomic Medicine, Children's Mercy Hospital and Clinics
Classification: Likely benign. Last evaluated: 2017-02-13. Review status: criteria provided, single submitter. Criteria: ACMG Guidelines, 2015. Collection method: clinical testing. Allele origin: germline.
ClinVar note: Converted during submission from Likely Benign to Likely benign.

Mayo Clinic Laboratories, Mayo Clinic
Classification: Benign. Last evaluated: 2016-05-12. Review status: criteria provided, single submitter. Criteria: ACMG Guidelines, 2015. Collection method: clinical testing. Allele origin: germline. Observed: 5 variant alleles.

Eurofins Ntd Llc (ga)
Classification: Benign. Last evaluated: 2015-02-26. Review status: criteria provided, single submitter. Criteria: EGL Classification Definitions 2015. Collection method: clinical testing. Allele origin: germline. Observed: 1 variant allele, 1 heterozygote.

Breakthrough Genomics
Classification: Likely benign. Review status: criteria provided, single submitter. Criteria: ACMG Guidelines, 2015. Collection method: not provided. Allele origin: germline. Inheritance: Autosomal recessive inheritance. Affected: yes.

Genome Diagnostics Laboratory, University Medical Center Utrecht
Classification: Likely benign. Review status: no assertion criteria provided. Collection method: clinical testing. Allele origin: germline. Affected: yes. Study: VKGL Data-share Consensus. Not counted in ClinVar's aggregate classification.

Laboratory of Diagnostic Genome Analysis, Leiden University Medical Center (LUMC)
Classification: Likely benign. Review status: no assertion criteria provided. Collection method: clinical testing. Allele origin: germline. Affected: yes. Study: VKGL Data-share Consensus. Not counted in ClinVar's aggregate classification.

NM_014846.4(WASHC5):c.3319G>A (p.Val1107Met)

Genes: WASHC5 (WASH complex subunit 5; minus strand), LOC126860498 (P300/CBP strongly-dependent group 1 enhancer GRCh37_chr8:126043836-126045035; plus strand). Cytogenetic location: 8q24.13.
Variant type: single nucleotide variant.
Coding change: c.3319G>A on transcript NM_014846.4 (MANE Select); coding-DNA position 3319, G replaced by A.
Protein change: p.Val1107Met; replaces valine 1107 with methionine.
Molecular consequence: missense variant.
Genome position (GRCh38, 1-based): chr8:125,032,257, C>T on the plus strand (G>A on the coding strand, the complement: WASHC5 is on the minus strand). VCF-style: chr8-125032257-C-T. GRCh37 (hg19) VCF-style: chr8-126044499-C-T.
Other names: p.Val1107Met; c.2875G>A, p.Val959Met (NM_001330609.2); short protein forms V1107M, V959M.
Identifiers: ClinVar variation 188277 (VCV000188277.52), dbSNP rs138407503, ClinGen allele CA202092.